The following is an entry in ClinVar:

NM_015213.4(DENND5A):c.1483A>C (p.Asn495His)

Gene: DENND5A (DENN domain containing 5A; minus strand). Cytogenetic location: 11p15.4.
Variant type: single nucleotide variant.
Coding change: c.1483A>C on transcript NM_015213.4 (MANE Select); coding-DNA position 1483, A replaced by C.
Protein change: p.Asn495His; replaces asparagine 495 with histidine.
Molecular consequence: missense variant. On other transcripts: non-coding transcript variant (1).
Genome position (GRCh38, 1-based): chr11:9,179,046, T>G on the plus strand (A>C on the coding strand, the complement: DENND5A is on the minus strand). VCF-style: chr11-9179046-T-G. GRCh37 (hg19) VCF-style: chr11-9200593-T-G.
Other names: c.1483A>C, p.Asn495His (NM_001243254.2, NM_001348748.1); c.1411A>C, p.Asn471His (NM_001348749.2); c.1195A>C, p.Asn399His (NM_001348750.2); c.1483A>C (NM_015213.3); short protein forms N399H, N471H, N495H.
Identifiers: ClinVar variation 1982046 (VCV001982046.4), dbSNP rs758100539, ClinGen allele CA5877578.

ClinVar aggregate classification (germline): Uncertain significance. Review status: criteria provided, multiple submitters, no conflicts (2 of 4 stars). 3 submissions from 3 submitters: Uncertain significance (3). Last evaluated 2025-07-03.

Conditions:
Developmental and epileptic encephalopathy, 49 (DEE49). Also called: Epileptic encephalopathy, early infantile, 49. Identifiers: MedGen C4310635, MONDO:0015002, OMIM 617281.
Inborn genetic diseases. Identifiers: MedGen C0950123, MeSH D030342.

Allele frequency attached by ClinVar (database versions not stated): gnomAD 0.00001; gnomAD exomes 0.00002; ExAC 0.00005.
gnomAD v4.1: 26 of 1,614,020 alleles (0.0016%); highest among the groups gnomAD compares: South Asian, 0.026%; no homozygotes.

Submissions (3):

Ambry Genetics
Classification: Uncertain significance for Inborn genetic diseases. Last evaluated: 2025-07-03. Review status: criteria provided, single submitter. Criteria: Ambry Variant Classification Scheme 2023. Collection method: clinical testing. Allele origin: germline.

Revvity Omics, Revvity
Classification: Uncertain significance for Developmental and epileptic encephalopathy, 49. Last evaluated: 2023-11-02. Review status: criteria provided, single submitter. Criteria: ACMG Guidelines, 2015. Collection method: clinical testing. Allele origin: germline.

Labcorp Genetics (formerly Invitae), Labcorp
Classification: Uncertain significance. Last evaluated: 2022-02-28. Review status: criteria provided, single submitter. Criteria: Invitae Variant Classification Sherloc (09022015). Collection method: clinical testing. Allele origin: germline.
Comment: This sequence change replaces asparagine, which is neutral and polar, with histidine, which is basic and polar, at codon 495 of the DENND5A protein (p.Asn495His). This variant is present in population databases (rs758100539, gnomAD 0.02%). This variant has not been reported in the literature in individuals affected with DENND5A-related conditions. Algorithms developed to predict the effect of missense changes on protein structure and function (SIFT, PolyPhen-2, Align-GVGD) all suggest that this variant is likely to be tolerated. In summary, the available evidence is currently insufficient to determine the role of this variant in disease. Therefore, it has been classified as a Variant of Uncertain Significance.